The following is an entry in ClinVar:

Conditions:
Breast-ovarian cancer, familial, susceptibility to, 1 (BROVCA1). Also called: BRCA1 Hereditary Breast and Ovarian Cancer; OVARIAN CANCER, SUSCEPTIBILITY TO. Identifiers: Orphanet 145, MedGen C2676676, MONDO:0011450, OMIM 604370. Disease mechanism: loss of function.

Submission:

Brotman Baty Institute, University of Washington
No classification provided (evidence only). Condition: Breast-ovarian cancer, familial 1. Review status: no classification provided. Collection method: in vitro. Allele origin: not applicable. Functional consequence: functionally_normal.
ClinVar note: "not provided" was previously submitted as the classification for the variant. However, the classification appeared to be based only on an observation of functional data so it was converted to no classification on 2025-07-30.

NM_007294.4(BRCA1):c.5011A>C (p.Lys1671Gln)

Gene: BRCA1 (BRCA1 DNA repair associated; minus strand). Cytogenetic location: 17q21.31.
Variant type: single nucleotide variant.
Coding change: c.5011A>C on transcript NM_007294.4 (MANE Select); coding-DNA position 5011, A replaced by C.
Protein change: p.Lys1671Gln; replaces lysine 1671 with glutamine.
Molecular consequence: missense variant. On other transcripts: non-coding transcript variant (1).
Genome position (GRCh38, 1-based): chr17:43,067,671, T>G on the plus strand (A>C on the coding strand, the complement: BRCA1 is on the minus strand). VCF-style: chr17-43067671-T-G. GRCh37 (hg19) VCF-style: chr17-41219688-T-G.
Other names: c.4798A>C, p.Lys1600Gln (NM_001407571.1, NM_001407894.1, NM_001407895.1 and 12 more transcripts); c.5077A>C, p.Lys1693Gln (NM_001407581.1, NM_001407582.1); c.5074A>C, p.Lys1692Gln (NM_001407583.1, NM_001407585.1, NM_001407587.1 and 1 more transcripts); c.5071A>C, p.Lys1691Gln (NM_001407590.1, NM_001407591.1); c.5011A>C, p.Lys1671Gln (NM_001407593.1, NM_001407594.1, NM_001407596.1 and 8 more transcripts); c.5008A>C, p.Lys1670Gln (NM_001407610.1, NM_001407611.1, NM_001407622.1 and 17 more transcripts); c.5005A>C, p.Lys1669Gln (NM_001407627.1, NM_001407628.1, NM_001407629.1 and 14 more transcripts); c.5002A>C, p.Lys1668Gln (NM_001407644.1, NM_001407645.1); and 70 more; short protein forms K567Q, K1624Q, K1671Q, K1692Q, K1375Q, K1517Q, K1542Q, K1559Q.
Identifiers: ClinVar variation 867534 (VCV000867534.3), dbSNP rs2052181996, ClinGen allele CA10591498.
Genomic context (GRCh38, chr17:43,067,671, plus strand): 5'-TTTTCATAACAACATGAGTAGTCTCTTCAGTAATTAGATTAGTTAAAGTGATGTGGTGTT[T>G]TCTGGCAAACTTGTACACGAGCATCTGAAATTAAATCAAATATTCCATTATCATGAGTTA-3'
Protein context (NP_009225.1, residues 1661-1681): EFMLVYKFAR[Lys1671Gln]HHITLTNLIT